The following is an entry in ClinVar:

ClinVar aggregate classification (germline): Uncertain significance (1 of 4 stars; one submission).

Conditions:
Adams-Oliver syndrome 5 (AOS5). Identifiers: Orphanet 974, MedGen C4014970, MONDO:0014459, OMIM 616028.

gnomAD v4.1: 1 of 1,558,420 alleles (0.000064%); highest among the groups gnomAD compares: Non-Finnish European, 0.000087%; no homozygotes.

Submission:

Labcorp Genetics (formerly Invitae), Labcorp
Classification: Uncertain significance for Adams-Oliver syndrome 5. Last evaluated: 2025-10-08. Review status: criteria provided, single submitter. Criteria: Invitae Variant Classification Sherloc (09022015). Collection method: clinical testing. Allele origin: germline.
Comment: This sequence change replaces threonine, which is neutral and polar, with isoleucine, which is neutral and non-polar, at codon 209 of the NOTCH1 protein (p.Thr209Ile). This variant is not present in population databases (gnomAD no frequency). This variant has not been reported in the literature in individuals affected with NOTCH1-related conditions. Invitae Evidence Modeling of protein sequence and biophysical properties (such as structural, functional, and spatial information, amino acid conservation, physicochemical variation, residue mobility, and thermodynamic stability) indicates that this missense variant is not expected to disrupt NOTCH1 protein function with a negative predictive value of 95%. In summary, the available evidence is currently insufficient to determine the role of this variant in disease. Therefore, it has been classified as a Variant of Uncertain Significance.

NM_017617.5(NOTCH1):c.626C>T (p.Thr209Ile)

Gene: NOTCH1 (notch receptor 1; minus strand). Cytogenetic location: 9q34.3.
Variant type: single nucleotide variant.
Coding change: c.626C>T on transcript NM_017617.5 (MANE Select); coding-DNA position 626, C replaced by T.
Protein change: p.Thr209Ile; replaces threonine 209 with isoleucine.
Molecular consequence: missense variant.
Genome position (GRCh38, 1-based): chr9:136,522,966, G>A on the plus strand (C>T on the coding strand, the complement: NOTCH1 is on the minus strand). VCF-style: chr9-136522966-G-A. GRCh37 (hg19) VCF-style: chr9-139417418-G-A.
Other names: short protein forms T209I.
Identifiers: ClinVar variation 4749025 (VCV004749025.1).